The following is an entry in ClinVar:

ClinVar aggregate classification (germline): Likely benign (1 of 4 stars; one submission).

Allele frequency attached by ClinVar (database versions not stated): gnomAD 0.00015; TOPMed 0.00017; ExAC 0.00113.
gnomAD v4.1: 181 of 1,535,408 alleles (0.012%); highest among the groups gnomAD compares: South Asian, 0.028%; no homozygotes.

Submission:

CeGaT Center for Human Genetics Tuebingen
Classification: Likely benign. Last evaluated: 2022-11-01. Review status: criteria provided, single submitter. Criteria: CeGaT Center For Human Genetics Tuebingen Variant Classification Criteria Version 2. Collection method: clinical testing. Allele origin: germline. Affected: yes. Observed: 1 variant allele.
Comment: CFAP46: BP4, BP7

NM_001200049.3(CFAP46):c.2031C>T (p.Asp677=)

Gene: CFAP46 (cilia and flagella associated protein 46; minus strand). Cytogenetic location: 10q26.3.
Variant type: single nucleotide variant.
Coding change: c.2031C>T on transcript NM_001200049.3 (MANE Select); coding-DNA position 2031, C replaced by T.
Protein change: p.Asp677=; no amino-acid change (aspartic acid 677 retained).
Molecular consequence: synonymous variant.
Genome position (GRCh38, 1-based): chr10:132,916,638, G>A on the plus strand (C>T on the coding strand, the complement: CFAP46 is on the minus strand). VCF-style: chr10-132916638-G-A. GRCh37 (hg19) VCF-style: chr10-134730142-G-A.
Identifiers: ClinVar variation 2640993 (VCV002640993.24), dbSNP rs777061113, ClinGen allele CA5757872.